The following is an entry in ClinVar:

ClinVar aggregate classification (germline): Benign. Review status: criteria provided, multiple submitters, no conflicts (2 of 4 stars). 3 submissions from 2 submitters: Benign (3). Last evaluated 2021-05-10.

Conditions:
Seckel syndrome 4 (SCKL4). Identifiers: Orphanet 808, MedGen C3888212, MONDO:0013358, OMIM 613676.
Microcephaly 6, primary, autosomal recessive. Identifiers: Orphanet 2512, MedGen C1842109, MONDO:0012029, OMIM 608393.

Allele frequency attached by ClinVar (database versions not stated): TOPMed 0.11370; gnomAD 0.11436 and 0.11665; gnomAD exomes 0.11925; 1000 Genomes Project 30x 0.13023; 1000 Genomes Project 0.13498.
gnomAD v4.1: 23,150 of 197,026 alleles (12%); highest among the groups gnomAD compares: East Asian, 30%; 1,769 homozygotes.

Submissions (3):

GeneDx
Classification: Benign. Last evaluated: 2021-05-10. Review status: criteria provided, single submitter. Criteria: GeneDx Variant Classification Process June 2021. Collection method: clinical testing. Allele origin: germline. Affected: yes.

Illumina Laboratory Services, Illumina
Classification: Benign for Seckel syndrome 4. Last evaluated: 2018-01-13. Review status: criteria provided, single submitter. Criteria: ICSL Variant Classification Criteria 13 December 2019. Collection method: clinical testing. Allele origin: germline.
Comment: This variant was observed in the ICSL laboratory as part of a predisposition screen in an ostensibly healthy population. It had not been previously curated by ICSL or reported in the Human Gene Mutation Database (HGMD: prior to June 1st, 2018), and was therefore a candidate for classification through an automated scoring system. Utilizing variant allele frequency, disease prevalence and penetrance estimates, and inheritance mode, an automated score was calculated to assess if this variant is too frequent to cause the disease. Based on the score and internal cut-off values, a variant classified as benign is not then subjected to further curation. The score for this variant resulted in a classification of benign for this disease.

Illumina Laboratory Services, Illumina
Classification: Benign for Microcephaly 6, primary, autosomal recessive. Last evaluated: 2018-01-13. Review status: criteria provided, single submitter. Criteria: ICSL Variant Classification Criteria 13 December 2019. Collection method: clinical testing. Allele origin: germline.
Comment: the same text as in the submission from Illumina Laboratory Services, Illumina above.

NM_018451.5(CPAP):c.*398A>G

Genes: RNF17 (ring finger protein 17; plus strand), CPAP (centrosome assembly and centriole elongation protein; minus strand). Cytogenetic location: 13q12.12.
Variant type: single nucleotide variant.
Coding change: c.*398A>G on transcript NM_018451.5 (MANE Select); 398 bases downstream of the stop codon, A replaced by G.
Molecular consequence: 3 prime UTR variant. On other transcripts: non-coding transcript variant (2).
Genome position (GRCh38, 1-based): chr13:24,882,779, T>C on the plus strand (A>G on the coding strand, the complement: CPAP is on the minus strand). VCF-style: chr13-24882779-T-C. GRCh37 (hg19) VCF-style: chr13-25456917-T-C.
Identifiers: ClinVar variation 311598 (VCV000311598.7), dbSNP rs11620289, ClinGen allele CA10644091.